The following is an entry in ClinVar:

ClinVar aggregate classification (germline): Benign/Likely benign. Review status: criteria provided, multiple submitters, no conflicts (2 of 4 stars). 3 submissions from 3 submitters: Benign (2); Likely benign (1). Last evaluated 2026-01-29.

Allele frequency attached by ClinVar (database versions not stated): gnomAD 0.00017 and 0.00027; gnomAD exomes 0.00020 and 0.00059; TOPMed 0.00043; ExAC 0.00053; 1000 Genomes Project 0.00120; 1000 Genomes Project 30x 0.00156.

Submissions (3):

Labcorp Genetics (formerly Invitae), Labcorp
Classification: Benign. Last evaluated: 2026-01-29. Review status: criteria provided, single submitter. Criteria: Invitae Variant Classification Sherloc (09022015). Collection method: clinical testing. Allele origin: germline.

Blueprint Genetics
Classification: Likely benign. Last evaluated: 2024-09-19. Review status: criteria provided, single submitter. Criteria: ACMG Guidelines, 2015. Collection method: clinical testing. Allele origin: germline.

Women's Health and Genetics/Laboratory Corporation of America, LabCorp
Classification: Benign. Last evaluated: 2024-09-05. Review status: criteria provided, single submitter. Criteria: LabCorp Variant Classification Summary - May 2015. Collection method: clinical testing. Allele origin: germline.
Comment: Variant summary: COL9A1 c.1818+7_1818+10dupCACC alters nucleotides located close to a canonical splice site and therefore could affect mRNA splicing, leading to a significantly altered protein sequence. Consensus agreement among computation tools predict no significant impact on normal splicing. However, these predictions have yet to be confirmed by functional studies. The variant allele was found at a frequency of 0.00059 in 251228 control chromosomes, predominantly at a frequency of 0.0073 within the East Asian subpopulation in the gnomAD database, including 1 homozygotes. The observed variant frequency within East Asian control individuals in the gnomAD database exceeds the estimated maximal expected allele frequency for a pathogenic variant in COL9A1 causing COL9A1-Related Disorders phenotype. To our knowledge, no occurrence of c.1818+7_1818+10dupCACC in individuals affected with COL9A1-Related Disorders and no experimental evidence demonstrating its impact on protein function have been reported. ClinVar contains an entry for this variant (Variation ID: 1168397). Based on the evidence outlined above, the variant was classified as benign.

NM_001851.6(COL9A1):c.1818+7_1818+10dup

Gene: COL9A1 (collagen type IX alpha 1 chain; minus strand). Cytogenetic location: 6q13.
Variant type: Duplication.
Coding change: c.1818+7_1818+10dup on transcript NM_001851.6 (MANE Select); bases 7 to 10 of the intron after coding-DNA position 1818, 4 bases duplicated (CACC; older notation c.1818+7_1818+10dupCACC).
Molecular consequence: intron variant.
Genome position (GRCh38, 1-based): chr6:70,252,252-70,252,255, GGTG duplicated on the plus strand (CACC on the coding strand, the reverse complement: COL9A1 is on the minus strand). VCF-style (leftmost placement, unchanged base first): chr6-70252251-T-TGGTG. GRCh37 (hg19) VCF-style: chr6-70961954-T-TGGTG.
Other names: c.1818+7_1818+10dupCACC (NM_001851.6); c.1089+7_1089+10dup (NM_001377290.1, NM_078485.4); c.1119+7_1119+10dup (NM_001377289.1).
Identifiers: ClinVar variation 1168397 (VCV001168397.11), dbSNP rs200555682, ClinGen allele CA3881998.
Genomic context (GRCh38, chr6:70,252,251, plus strand): 5'-GGTAGAAAAAAAGTTAACACCTACTGATTACAACAGGTTAGAACTTCAGGAGAGGTAAAA[T>TGGTG]GGTGTCTTACCGGTTTGCCTGAATTTCCCATCTGACCAGGCTTCCCTGGAGCACCTGTGC-3'